The following is an entry in ClinVar:

NM_015352.2(POFUT1):c.785T>C (p.Met262Thr)

Gene: POFUT1 (protein O-fucosyltransferase 1; plus strand). Cytogenetic location: 20q11.21.
Variant type: single nucleotide variant.
Coding change: c.785T>C on transcript NM_015352.2 (MANE Select); coding-DNA position 785, T replaced by C.
Protein change: p.Met262Thr; replaces methionine 262 with threonine.
Molecular consequence: missense variant.
Genome position (GRCh38, 1-based): chr20:32,230,868, T>C. VCF-style: chr20-32230868-T-C. GRCh37 (hg19) VCF-style: chr20-30818671-T-C.
Other names: short protein forms M262T.
Identifiers: ClinVar variation 4806283 (VCV004806283.1).

ClinVar aggregate classification (germline): Uncertain significance (1 of 4 stars; one submission).

Conditions:
Dowling-Degos disease 2 (DDD2). Identifiers: Orphanet 79145, MedGen C3809147, MONDO:0014130, OMIM 615327.

gnomAD v4.1: 131 of 1,614,038 alleles (0.0081%); highest among the groups gnomAD compares: Non-Finnish European, 0.011%; no homozygotes.

Submission:

Labcorp Genetics (formerly Invitae), Labcorp
Classification: Uncertain significance for Dowling-Degos disease 2. Last evaluated: 2025-11-29. Review status: criteria provided, single submitter. Criteria: Invitae Variant Classification Sherloc (09022015). Collection method: clinical testing. Allele origin: germline.
Comment: This sequence change replaces methionine, which is neutral and non-polar, with threonine, which is neutral and polar, at codon 262 of the POFUT1 protein (p.Met262Thr). This variant is present in population databases (rs367942621, gnomAD 0.003%). This missense change has been observed in individual(s) with Dowling-Degos disease (PMID: 25229252). An algorithm developed to predict the effect of missense changes on protein structure and function (PolyPhen-2) suggests that this variant is likely to be disruptive. Experimental studies have shown that this missense change does not substantially affect POFUT1 function (PMID: 28334865). In summary, the available evidence is currently insufficient to determine the role of this variant in disease. Therefore, it has been classified as a Variant of Uncertain Significance.

Literature cited by the submitters: PubMed 25229252; PubMed 28334865.